The following is an entry in ClinVar:

NM_001370259.2(MEN1):c.168del (p.Asn57fs)

Gene: MEN1 (menin 1; minus strand). Cytogenetic location: 11q13.1.
Variant type: Deletion.
Coding change: c.168del on transcript NM_001370259.2 (MANE Select); coding-DNA position 168, one base deleted (C; older notation c.168delC).
Protein change: p.Asn57fs; shifts the reading frame from asparagine 57.
Molecular consequence: frameshift variant.
Genome position (GRCh38, 1-based): chr11:64,809,942, G deleted on the plus strand (C on the coding strand, the reverse complement: MEN1 is on the minus strand); the first of 2 consecutive G bases (chr11:64,809,942-64,809,943); deleting either gives the same sequence. VCF-style (leftmost placement, unchanged base first): chr11-64809941-TG-T. GRCh37 (hg19) VCF-style: chr11-64577413-TG-T.
Other names: c.168delC (NM_130799.2); c.168del, p.Asn57fs (NM_000244.4, NM_001370251.2, NM_001370260.2 and 9 more transcripts); c.168del (NM_130799.2); short protein forms N57fs.
Identifiers: ClinVar variation 403837 (VCV000403837.11), dbSNP rs1060499990, ClinGen allele CA16613697.

ClinVar aggregate classification (germline): Pathogenic/Likely pathogenic. Review status: criteria provided, multiple submitters, no conflicts (2 of 4 stars). 3 submissions from 3 submitters: Pathogenic (2); Likely pathogenic (1). Last evaluated 2024-01-09.

Conditions:
Multiple endocrine neoplasia, type 1 (MEN1). Also called: MEN I; WERMER SYNDROME; Endocrine adenomatosis multiple; MEN 1; MEA I. Identifiers: Orphanet 652, MedGen C0025267, MeSH D018761, MONDO:0007540, OMIM 131100.

Submissions (3):

Quest Diagnostics Nichols Institute San Juan Capistrano
Classification: Pathogenic. Last evaluated: 2024-01-09. Review status: criteria provided, single submitter. Criteria: Quest Diagnostics criteria. Collection method: clinical testing. Allele origin: unknown.
Comment: The MEN1 c.168del (p.Asn57Thrfs*62) variant alters the translational reading frame of the MEN1 mRNA and causes the premature termination of MEN1 protein synthesis. This variant has been reported in the published literature in individuals affected with MEN1 syndrome (PMID: 28597079 (2017), 31044390 (2019)). This variant has not been reported in large, multi-ethnic general populations (Genome Aggregation Database). Based on the available information, this variant is classified as pathogenic.

Labcorp Genetics (formerly Invitae), Labcorp
Classification: Pathogenic for Multiple endocrine neoplasia, type 1. Last evaluated: 2020-11-21. Review status: criteria provided, single submitter. Criteria: Invitae Variant Classification Sherloc (09022015). Collection method: clinical testing. Allele origin: germline.
Comment: This sequence change creates a premature translational stop signal (p.Asn57Thrfs*62) in the MEN1 gene. It is expected to result in an absent or disrupted protein product. Loss-of-function variants in MEN1 are known to be pathogenic (PMID: 12112656, 17853334). This variant is not present in population databases (ExAC no frequency). This variant has been observed in individual(s) with MEN1-related conditions (PMID: 28597079, 31044390). For these reasons, this variant has been classified as Pathogenic.

GeneDx
Classification: Likely pathogenic. Last evaluated: 2016-09-12. Review status: criteria provided, single submitter. Criteria: GeneDx Variant Classification (06012015). Collection method: clinical testing. Allele origin: germline. Affected: yes.
Comment: This deletion of one nucleotide in MEN1 is denoted c.168delC at the cDNA level and p.Asn57ThrfsX62 (N57TfsX62) at the protein level. The normal sequence, with the base that is deleted in braces, is CTAC[C]AACG. The deletion causes a frameshift, which changes an Asparagine to a Threonine at codon 57, and creates a premature stop codon at position 62 of the new reading frame. Although this variant has not, to our knowledge, been reported in the literature, it is predicted to cause loss of normal protein function through either protein truncation or nonsense-mediated mRNA decay. Based on the currently available information, we consider this deletion to be a likely pathogenic variant.

Literature cited by the submitters: PubMed 28597079 (cited by Quest Diagnostics Nichols Institute San Juan Capistrano and Labcorp Genetics (formerly Invitae), Labcorp); PubMed 31044390 (cited by Quest Diagnostics Nichols Institute San Juan Capistrano and Labcorp Genetics (formerly Invitae), Labcorp); PubMed 12112656 (cited by Labcorp Genetics (formerly Invitae), Labcorp); PubMed 17853334 (cited by Labcorp Genetics (formerly Invitae), Labcorp).